The following is an entry in ClinVar:

ClinVar aggregate classification (germline): Pathogenic/Likely pathogenic. Review status: criteria provided, multiple submitters, no conflicts (2 of 4 stars). 2 submissions from 2 submitters: Pathogenic (1); Likely pathogenic (1). Last evaluated 2024-11-02.

Conditions:
Autosomal recessive nonsyndromic hearing loss 3. Also called: NEUROSENSORY NONSYNDROMIC RECESSIVE DEAFNESS 3. Identifiers: Orphanet 90636, MedGen C1838263, MONDO:0010860, OMIM 600316.

Allele frequency attached by ClinVar (database versions not stated): gnomAD exomes below 0.00001.
gnomAD v4.1: 1 of 1,614,178 alleles (0.000062%); highest among the groups gnomAD compares: Non-Finnish European, 0.000085%; no homozygotes.

Submissions (2):

ENT and Head and Neck Research Center and Department,  The Five Senses Health Institute, Iran University of Medical Sciences
Classification: Pathogenic for Autosomal recessive nonsyndromic hearing loss 3. Last evaluated: 2024-11-02. Review status: criteria provided, single submitter. Criteria: ClinGen HL ACMG Specifications v1. Collection method: clinical testing. Allele origin: germline. Affected: yes.
Comment: PVS1: Null variant (nonsense) in gene MYO15A, predicted to cause NMD. Loss-of-function is a known mechanism of disease (gene has 448 reported pathogenic LOF variants). The exon affects 1 functional domain: UniProt protein MYO15_HUMAN region of interest 'Tail'. The exon contains 2 pathogenic variants. The truncated region contains 89 pathogenic variants., PM2: Variant not found in gnomAD genomes, PP5: Combined evidence strength is Supporting (score = 1).Supporting: ClinVar classifies this variant as Likely Pathogenic, 1 star (reviewed Feb '24, 1 submission).PP1: Segregation in one affected relative for recessive,, PM3: For recessive disorders, identifying a variant in trans

MVZ Martinsried, Medicover Genetics
Classification: Likely pathogenic for Autosomal recessive nonsyndromic hearing loss 3. Last evaluated: 2018-06-25. Review status: criteria provided, single submitter. Criteria: ACMG Guidelines, 2015. Collection method: clinical testing. Allele origin: unknown. Affected: yes.

Literature cited by the submitters: DOI 10.1038/s41598-025-99417-7 (cited by ENT and Head and Neck Research Center and Department,  The Five Senses Health Institute, Iran University of Medical Sciences).

NM_016239.4(MYO15A):c.9061C>T (p.Arg3021Ter)

Gene: MYO15A (myosin XVA; plus strand). Cytogenetic location: 17p11.2.
Variant type: single nucleotide variant.
Coding change: c.9061C>T on transcript NM_016239.4 (MANE Select); coding-DNA position 9061, C replaced by T.
Protein change: p.Arg3021Ter; replaces arginine 3021 with a stop codon.
Molecular consequence: nonsense.
Genome position (GRCh38, 1-based): chr17:18,158,616, C>T. VCF-style: chr17-18158616-C-T. GRCh37 (hg19) VCF-style: chr17-18061930-C-T.
Other names: short protein forms R3021*.
Identifiers: ClinVar variation 560727 (VCV000560727.2), dbSNP rs1567658710, ClinGen allele CA398632746.